The following is an entry in ClinVar:

NM_001323289.2(CDKL5):c.284dup (p.Asn95fs)

Gene: CDKL5 (cyclin dependent kinase like 5; plus strand). Cytogenetic location: Xp22.13.
Variant type: Duplication.
Coding change: c.284dup on transcript NM_001323289.2 (MANE Select); coding-DNA position 284, one base duplicated (A; older notation c.284dupA).
Protein change: p.Asn95fs; shifts the reading frame from asparagine 95.
Molecular consequence: frameshift variant.
Genome position (GRCh38, 1-based): chrX:18,579,849, A duplicated; the last of 2 consecutive A bases (chrX:18,579,848-18,579,849); duplicating either gives the same sequence. VCF-style (leftmost placement, unchanged base first): chrX-18579847-G-GA. GRCh37 (hg19) VCF-style: chrX-18597967-G-GA.
Other names: NM_003159.3:c.284dup; c.284dup, p.Asn95fs (NM_001037343.2, NM_003159.3); short protein forms N95fs.
Identifiers: ClinVar variation 3602050 (VCV003602050.1).

ClinVar aggregate classification (germline): Pathogenic (1 of 4 stars; one submission).

Conditions:
Rett syndrome (RTT). Also called: AUTISM, DEMENTIA, ATAXIA, AND LOSS OF PURPOSEFUL HAND USE; Rett's disorder. Identifiers: Orphanet 3095, Orphanet 778, MedGen C0035372, MONDO:0010726, OMIM 312750.

Submission:

Centre for Population Genomics, CPG
Classification: Pathogenic for Rett syndrome. Last evaluated: 2024-12-30. Review status: criteria provided, single submitter. Criteria: McKnight et al. (Hum Mutat. 2022). Collection method: curation. Allele origin: germline. Inheritance: X-linked inheritance.
Comment: Based on the classification scheme defined by the ClinGen Rett/Angelman-like Expert Panel for Rett/AS-like Disorders Specifications to the ACMG/AMP Variant Interpretation Guidelines VCEP 3.0, this variant is classified as pathogenic. At least the following criteria are met: Predicted to result in loss of function, and LOF is a known mechanism of disease (PVS1). This variant has been identified as a de novo occurrence in an individual with CDKL5 disorder without confirmation of paternity and maternity (PM6) (PMID: 29933521). This variant is absent from gnomAD (PM2_Supporting).